The following is an entry in ClinVar:

ClinVar aggregate classification (germline): Likely pathogenic (1 of 4 stars; one submission).

Conditions:
Hereditary cancer-predisposing syndrome. Also called: Neoplastic Syndromes, Hereditary; Tumor predisposition; Hereditary neoplastic syndrome; Hereditary Cancer Syndrome. Identifiers: Orphanet 140162, MedGen C0027672, MeSH D009386, MONDO:0015356.
Cardiovascular phenotype. Identifiers: MedGen CN230736.

Submission:

Ambry Genetics
Classification: Likely pathogenic for Cardiovascular phenotype; Hereditary cancer-predisposing syndrome. Last evaluated: 2024-08-30. Review status: criteria provided, single submitter. Criteria: Ambry Variant Classification Scheme 2023. Collection method: clinical testing. Allele origin: germline.
Comment: The c.1942+1G>C intronic variant results from a G to C substitution one nucleotide after coding exon 16 of the LZTR1 gene. This variant has been observed in at least one individual with a personal history that is consistent with LZTR1-related schwannomatosis (Ambry internal data). RNA studies have demonstrated that this alteration results in abnormal splicing in the set of samples tested (Ambry internal data). This nucleotide position is highly conserved in available vertebrate species. In silico splice site analysis predicts that this alteration will weaken the native splice donor site. This variant is considered to be rare based on population cohorts in the Genome Aggregation Database (gnomAD). Loss-of-function variants in LZTR1 are related to an increased risk for schwannomas and autosomal recessive Noonan syndrome; however, such associations with autosomal dominant Noonan syndrome have not been observed (Piotrowski A et al. Nat Genet. 2014 Feb;46:182-7; Yamamoto GL et al. J Med Genet. 2015 Jun;52:413-21; Johnston JJ et al. Genet Med. 2018 10;20:1175-1185). Based on the supporting evidence, this variant is likely pathogenic for an increased risk of LZTR1-related schwannomatosis (SWN) and would be expected to cause autosomal recessive Noonan syndrome when present along with a second pathogenic or likely pathogenic variant on the other allele; however, the association of this alteration with autosomal dominant Noonan syndrome is unlikely.

NM_006767.4(LZTR1):c.1942+1G>C

Gene: LZTR1 (leucine zipper like post translational regulator 1; plus strand). Cytogenetic location: 22q11.21.
Variant type: single nucleotide variant.
Coding change: c.1942+1G>C on transcript NM_006767.4 (MANE Select); the canonical splice donor site of the intron after coding-DNA position 1942, G replaced by C.
Molecular consequence: splice donor variant.
Genome position (GRCh38, 1-based): chr22:20,995,027, G>C. VCF-style: chr22-20995027-G-C. GRCh37 (hg19) VCF-style: chr22-21349316-G-C.
Identifiers: ClinVar variation 3238170 (VCV003238170.2), dbSNP rs765095992.